The following is an entry in ClinVar:

ClinVar aggregate classification (germline): Likely pathogenic (1 of 4 stars; one submission).

Conditions:
COL11A1-related disorder. Also called: COL11A1-related disorders; COL11A1-related condition.

Submission:

PreventionGenetics, part of Exact Sciences
Classification: Likely pathogenic for COL11A1-related condition. Last evaluated: 2025-01-07. Review status: criteria provided, single submitter. Criteria: ACMG Guidelines, 2015. Collection method: clinical testing. Allele origin: germline.
Comment: The COL11A1 c.4680delC variant is predicted to result in a frameshift and premature protein termination (p.Met1561Cysfs*26). To our knowledge, this variant has not been reported in the literature or in a large population database (gnomAD), indicating this variant is rare. Frameshift variants in COL11A1 are expected to be pathogenic. This variant is interpreted as likely pathogenic.

NM_001854.4(COL11A1):c.4680del (p.Met1561fs)

Gene: COL11A1 (collagen type XI alpha 1 chain; minus strand). Cytogenetic location: 1p21.1.
Variant type: Deletion.
Coding change: c.4680del on transcript NM_001854.4 (MANE Select); coding-DNA position 4680, one base deleted (C; older notation c.4680delC).
Protein change: p.Met1561fs; shifts the reading frame from methionine 1561.
Molecular consequence: frameshift variant. On other transcripts: non-coding transcript variant (1).
Genome position (GRCh38, 1-based): chr1:102,886,985, G deleted on the plus strand (C on the coding strand, the reverse complement: COL11A1 is on the minus strand). VCF-style (leftmost placement, unchanged base first): chr1-102886984-TG-T. GRCh37 (hg19) VCF-style: chr1-103352540-TG-T.
Other names: c.4563del, p.Met1522fs (NM_001190709.2); c.4716del, p.Met1573fs (NM_080629.3); c.4332del, p.Met1445fs (NM_080630.4); short protein forms M1522fs, M1573fs, M1561fs, M1445fs.
Identifiers: ClinVar variation 5000911 (VCV005000911.1).